The following is an entry in ClinVar:

NM_000903.3(NQO1):c.805C>G (p.Gln269Glu)

Gene: NQO1 (NAD(P)H quinone dehydrogenase 1; minus strand). Cytogenetic location: 16q22.1.
Variant type: single nucleotide variant.
Coding change: c.805C>G on transcript NM_000903.3 (MANE Select); coding-DNA position 805, C replaced by G.
Protein change: p.Gln269Glu; replaces glutamine 269 with glutamic acid.
Molecular consequence: missense variant.
Genome position (GRCh38, 1-based): chr16:69,710,996, G>C on the plus strand (C>G on the coding strand, the complement: NQO1 is on the minus strand). VCF-style: chr16-69710996-G-C. GRCh37 (hg19) VCF-style: chr16-69744899-G-C.
Other names: c.703C>G, p.Gln235Glu (NM_001025433.2); c.691C>G, p.Gln231Glu (NM_001025434.2); c.589C>G, p.Gln197Glu (NM_001286137.2); short protein forms Q231E, Q235E, Q197E, Q269E.
Identifiers: ClinVar variation 3407559 (VCV003407559.1).

ClinVar aggregate classification (germline): Uncertain significance (1 of 4 stars; one submission).

Submission:

Ambry Genetics
Classification: Uncertain significance. Last evaluated: 2024-07-02. Review status: criteria provided, single submitter. Criteria: Ambry Variant Classification Scheme 2023. Collection method: clinical testing. Allele origin: germline.
Comment: The p.Q269E variant (also known as c.805C>G), located in coding exon 6 of the NQO1 gene, results from a C to G substitution at nucleotide position 805. The glutamine at codon 269 is replaced by glutamic acid, an amino acid with highly similar properties. This amino acid position is conserved. In addition, this alteration is predicted to be tolerated by in silico analysis. Based on the available evidence, the clinical significance of this variant remains unclear.